The following is an entry in ClinVar:

ClinVar aggregate classification (germline): Uncertain significance (1 of 4 stars; one submission).

gnomAD v4.1: 1 of 1,612,662 alleles (0.000062%); highest among the groups gnomAD compares: Admixed American, 0.0017%; no homozygotes.

Submission:

GeneDx
Classification: Uncertain significance. Last evaluated: 2024-05-02. Review status: criteria provided, single submitter. Criteria: GeneDx Variant Classification Process June 2021. Collection method: clinical testing. Allele origin: germline. Affected: yes.
Comment: Not observed at significant frequency in large population cohorts (gnomAD); In silico analysis indicates that this missense variant does not alter protein structure/function; Has not been previously published as pathogenic or benign to our knowledge

NM_194248.3(OTOF):c.1756A>C (p.Thr586Pro)

Gene: OTOF (otoferlin; minus strand). Cytogenetic location: 2p23.3.
Variant type: single nucleotide variant.
Coding change: c.1756A>C on transcript NM_194248.3 (MANE Select); coding-DNA position 1756, A replaced by C.
Protein change: p.Thr586Pro; replaces threonine 586 with proline.
Molecular consequence: missense variant.
Genome position (GRCh38, 1-based): chr2:26,480,833, T>G on the plus strand (A>C on the coding strand, the complement: OTOF is on the minus strand). VCF-style: chr2-26480833-T-G. GRCh37 (hg19) VCF-style: chr2-26703701-T-G.
Other names: c.1756A>C, p.Thr586Pro (NM_001287489.2); short protein forms T586P.
Identifiers: ClinVar variation 3373282 (VCV003373282.1).
Genomic context (GRCh38, chr2:26,480,833, plus strand): 5'-CCTGGGGTCTCACCTCCGAGATGGGCGTGGCCTGCTCCACCTGCACCTCTGTGGAGCTGG[T>G]GAGCTCAGGGTTGGAGGTGTCTACGATCTCCACAGCCAGGCCCAGCAGGAGCCGGGCCCG-3'
Protein context (NP_919224.1, residues 576-596): EIVDTSNPEL[Thr586Pro]SSTEVQVEQA